The following is an entry in ClinVar:

NM_021975.4(RELA):c.120dup (p.Arg41fs)

Gene: RELA (RELA proto-oncogene, NF-kB subunit; minus strand). Cytogenetic location: 11q13.1.
Variant type: Duplication.
Coding change: c.120dup on transcript NM_021975.4 (MANE Select); coding-DNA position 120, one base duplicated (G; older notation c.120dupG).
Protein change: p.Arg41fs; shifts the reading frame from arginine 41.
Molecular consequence: frameshift variant. On other transcripts: 5 prime UTR variant (1).
Genome position (GRCh38, 1-based): chr11:65,662,003, C duplicated on the plus strand (G on the coding strand, the reverse complement: RELA is on the minus strand); the first of 4 consecutive C bases (chr11:65,662,003-65,662,006); duplicating any one gives the same sequence. VCF-style (leftmost placement, unchanged base first): chr11-65662002-G-GC. GRCh37 (hg19) VCF-style: chr11-65429473-G-GC.
Other names: c.120dup, p.Arg41fs (NM_001145138.2, NM_001243984.2, NM_001243985.2 and 3 more transcripts); c.93dup, p.Arg32fs (NM_001404658.1); c.-170dup (NM_001404661.1); c.27dup, p.Arg10fs (NM_001404662.1, NM_001404663.1); short protein forms R10fs, R32fs, R41fs.
Identifiers: ClinVar variation 3724028 (VCV003724028.2).
Genomic context (GRCh38, chr11:65,662,002, plus strand): 5'-TGGTGGGGTGGGTCTTGGTGGTATCTGTGCTCCTCTCGCCTGGGATGCTGCCCGCGGAGC[G>GC]CCCCTCGCACTTGTAGCGGAAGCGCATGCCCCGCTGCTTGGGCTGCTCAATGATCTCCAC-3'

ClinVar aggregate classification (germline): Pathogenic (1 of 4 stars; one submission).

Submission:

Labcorp Genetics (formerly Invitae), Labcorp
Classification: Pathogenic. Last evaluated: 2024-12-31. Review status: criteria provided, single submitter. Criteria: Invitae Variant Classification Sherloc (09022015). Collection method: clinical testing. Allele origin: germline.
Comment: This sequence change creates a premature translational stop signal (p.Arg41Alafs*61) in the RELA gene. It is expected to result in an absent or disrupted protein product. Loss-of-function variants in RELA are known to be pathogenic (PMID: 28600438). This variant is not present in population databases (gnomAD no frequency). This variant has not been reported in the literature in individuals affected with RELA-related conditions. For these reasons, this variant has been classified as Pathogenic.

Literature cited by the submitters: PubMed 28600438.